The following is an entry in ClinVar:

NM_001130009.3(GEN1):c.49A>G (p.Ile17Val)

Gene: GEN1 (GEN1 structure-specific endonuclease; plus strand). Cytogenetic location: 2p24.2.
Variant type: single nucleotide variant.
Coding change: c.49A>G on transcript NM_001130009.3 (MANE Select); coding-DNA position 49, A replaced by G.
Protein change: p.Ile17Val; replaces isoleucine 17 with valine.
Molecular consequence: missense variant.
Genome position (GRCh38, 1-based): chr2:17,759,992, A>G. VCF-style: chr2-17759992-A-G. GRCh37 (hg19) VCF-style: chr2-17941259-A-G.
Other names: c.49A>G, p.Ile17Val (NM_182625.5); c.49A>G (NM_001130009.1); short protein forms I17V.
Identifiers: ClinVar variation 2877570 (VCV002877570.4), dbSNP rs2545543252, ClinGen allele CA345904995.

ClinVar aggregate classification (germline): Uncertain significance. Review status: criteria provided, multiple submitters, no conflicts (2 of 4 stars). 2 submissions from 2 submitters: Uncertain significance (2). Last evaluated 2025-03-17.

Submissions (2):

Ambry Genetics
Classification: Uncertain significance. Last evaluated: 2025-03-17. Review status: criteria provided, single submitter. Criteria: Ambry Variant Classification Scheme 2023. Collection method: clinical testing. Allele origin: germline.
Comment: The p.I17V variant (also known as c.49A>G), located in coding exon 1 of the GEN1 gene, results from an A to G substitution at nucleotide position 49. The isoleucine at codon 17 is replaced by valine, an amino acid with highly similar properties. This amino acid position is conserved. In addition, this alteration is predicted to be tolerated by in silico analysis. Based on the available evidence, the clinical significance of this variant remains unclear.

Labcorp Genetics (formerly Invitae), Labcorp
Classification: Uncertain significance. Last evaluated: 2023-02-02. Review status: criteria provided, single submitter. Criteria: Invitae Variant Classification Sherloc (09022015). Collection method: clinical testing. Allele origin: germline.
Comment: This variant has not been reported in the literature in individuals affected with GEN1-related conditions. Algorithms developed to predict the effect of missense changes on protein structure and function output the following: SIFT: "Tolerated"; PolyPhen-2: "Benign"; Align-GVGD: "Class C0". The valine amino acid residue is found in multiple mammalian species, which suggests that this missense change does not adversely affect protein function. In summary, the available evidence is currently insufficient to determine the role of this variant in disease. Therefore, it has been classified as a Variant of Uncertain Significance. This sequence change replaces isoleucine, which is neutral and non-polar, with valine, which is neutral and non-polar, at codon 17 of the GEN1 protein (p.Ile17Val). This variant is not present in population databases (gnomAD no frequency).